The following is an entry in ClinVar:

NM_001267550.2(TTN):c.78286G>A (p.Glu26096Lys)

Genes: TTN (titin; minus strand), TTN-AS1 (TTN antisense RNA 1; plus strand). Cytogenetic location: 2q31.2.
Variant type: single nucleotide variant.
Coding change: c.78286G>A on transcript NM_001267550.2 (MANE Select); coding-DNA position 78286, G replaced by A.
Protein change: p.Glu26096Lys; replaces glutamic acid 26096 with lysine.
Molecular consequence: missense variant.
Genome position (GRCh38, 1-based): chr2:178,567,846, C>T on the plus strand (G>A on the coding strand, the complement: TTN is on the minus strand). VCF-style: chr2-178567846-C-T. GRCh37 (hg19) VCF-style: chr2-179432573-C-T.
Other names: c.73363G>A, p.Glu24455Lys (NM_001256850.1); c.51091G>A, p.Glu17031Lys (NM_003319.4); c.70582G>A, p.Glu23528Lys (NM_133378.4); c.51466G>A, p.Glu17156Lys (NM_133432.3); c.51667G>A, p.Glu17223Lys (NM_133437.4); short protein forms E26096K, E17156K, E17223K, E24455K, E17031K, E23528K.
Identifiers: ClinVar variation 404964 (VCV000404964.5), dbSNP rs370515843, ClinGen allele CA1989631.

ClinVar aggregate classification (germline): Uncertain significance. Review status: criteria provided, multiple submitters, no conflicts (2 of 4 stars). 2 submissions from 2 submitters: Uncertain significance (2). Last evaluated 2020-07-17.

Conditions:
Cardiovascular phenotype. Identifiers: MedGen CN230736.
Dilated cardiomyopathy 1G (CMD1G). Identifiers: Orphanet 154, MedGen C1858763, MONDO:0011400, OMIM 604145.
Autosomal recessive limb-girdle muscular dystrophy type 2J (LGMDR10). Also called: Limb-girdle muscular dystrophy, type 2J; MUSCULAR DYSTROPHY, LIMB-GIRDLE, AUTOSOMAL RECESSIVE 10. Identifiers: Orphanet 140922, MedGen C1837342, MONDO:0012127, OMIM 608807.

Allele frequency attached by ClinVar (database versions not stated): gnomAD exomes below 0.00001; ExAC 0.00001; gnomAD 0.00002; TOPMed 0.00003; ESP Exome Variant Server 0.00008.
gnomAD v4.1: 4 of 1,613,360 alleles (0.00025%); highest among the groups gnomAD compares: African/African-American, 0.0053%; no homozygotes.

Submissions (2):

Ambry Genetics
Classification: Uncertain significance for Cardiovascular phenotype. Last evaluated: 2020-07-17. Review status: criteria provided, single submitter. Criteria: Ambry Variant Classification Scheme 2023. Collection method: clinical testing. Allele origin: germline.
Comment: The p.E17031K variant (also known as c.51091G>A), located in coding exon 153 of the TTN gene, results from a G to A substitution at nucleotide position 51091. The glutamic acid at codon 17031 is replaced by lysine, an amino acid with similar properties. This amino acid position is well conserved in available vertebrate species. In addition, this alteration is predicted to be tolerated by in silico analysis. Since supporting evidence is limited at this time, the clinical significance of this alteration remains unclear.

Labcorp Genetics (formerly Invitae), Labcorp
Classification: Uncertain significance for Dilated cardiomyopathy 1G; Autosomal recessive limb-girdle muscular dystrophy type 2J. Last evaluated: 2016-09-15. Review status: criteria provided, single submitter. Criteria: Invitae Variant Classification Sherloc (09022015). Collection method: clinical testing. Allele origin: germline.